The following is an entry in ClinVar:

ClinVar aggregate classification (germline): Uncertain significance (1 of 4 stars; one submission).

Conditions:
Cardiovascular phenotype. Identifiers: MedGen CN230736.

Submission:

Ambry Genetics
Classification: Uncertain significance for Cardiovascular phenotype. Last evaluated: 2025-08-31. Review status: criteria provided, single submitter. Criteria: Ambry Variant Classification Scheme 2023. Collection method: clinical testing. Allele origin: germline.
Comment: The p.P582H variant (also known as c.1745C>A), located in coding exon 11 of the CBL gene, results from a C to A substitution at nucleotide position 1745. The proline at codon 582 is replaced by histidine, an amino acid with similar properties. This amino acid position is conserved. In addition, the in silico prediction for this alteration is inconclusive. Based on the available evidence, the clinical significance of this variant remains unclear.

NM_005188.4(CBL):c.1745C>A (p.Pro582His)

Gene: CBL (Cbl proto-oncogene; plus strand). Cytogenetic location: 11q23.3.
Variant type: single nucleotide variant.
Coding change: c.1745C>A on transcript NM_005188.4 (MANE Select); coding-DNA position 1745, C replaced by A.
Protein change: p.Pro582His; replaces proline 582 with histidine.
Molecular consequence: missense variant.
Genome position (GRCh38, 1-based): chr11:119,285,370, C>A. VCF-style: chr11-119285370-C-A. GRCh37 (hg19) VCF-style: chr11-119156080-C-A.
Other names: short protein forms P582H.
Identifiers: ClinVar variation 4219919 (VCV004219919.1).
Genomic context (GRCh38, chr11:119,285,370, plus strand): 5'-GACGCCCCTTGCCTTGTACACCAGGCGACTGTCCCTCCAGAGACAAACTGCCCCCTGTCC[C>A]CTCTAGCCGCCTTGGAGACTCATGGCTGCCCCGGCCAATCCCCAAAGTACCAGTATCTGC-3'
Protein context (NP_005179.2, residues 572-592): CPSRDKLPPV[Pro582His]SSRLGDSWLP